The following is an entry in ClinVar:

NM_017882.3(CLN6):c.200T>C (p.Leu67Pro)

Gene: CLN6 (CLN6 transmembrane ER protein; minus strand). Cytogenetic location: 15q23.
Variant type: single nucleotide variant.
Coding change: c.200T>C on transcript NM_017882.3 (MANE Select); coding-DNA position 200, T replaced by C.
Protein change: p.Leu67Pro; replaces leucine 67 with proline.
Molecular consequence: missense variant.
Genome position (GRCh38, 1-based): chr15:68,214,387, A>G on the plus strand (T>C on the coding strand, the complement: CLN6 is on the minus strand). VCF-style: chr15-68214387-A-G. GRCh37 (hg19) VCF-style: chr15-68506725-A-G.
Other names: short protein forms L67P.
Identifiers: ClinVar variation 30599 (VCV000030599.4), dbSNP rs154774633, ClinGen allele CA259850.

ClinVar aggregate classification (germline): Pathogenic. Review status: no assertion criteria provided (0 of 4 stars). 2 submissions from 2 submitters: Pathogenic (1). 1 of the submissions does not count toward it. Last evaluated 2011-05-13.

Conditions:
Ceroid lipofuscinosis, neuronal, 6B (Kufs type). Also called: Neuronal ceroid lipofuscinosis 4A. Identifiers: Orphanet 700477, MedGen C5561927, MONDO:0008768, OMIM 204300.

Submissions (2):

OMIM
Classification: Pathogenic for CEROID LIPOFUSCINOSIS, NEURONAL, 6B (KUFS TYPE). Last evaluated: 2011-05-13. Review status: no assertion criteria provided. Collection method: literature only. Allele origin: germline.

SNPedia
No classification provided. Review status: no classification provided. Collection method: not provided. Allele origin: germline. Not counted in ClinVar's aggregate classification.
Comment: Kufs Type A disease

Literature cited by the submitters: PubMed 21549341 (cited by OMIM).